The following is an entry in ClinVar:

ClinVar aggregate classification (somatic clinical impact): Tier II - Potential (1 of 4 stars; one submission).

Conditions:
Medulloblastoma WNT activated. Identifiers: MedGen C4331965, MONDO:0850196.

Submission:

Institute for Genomic Medicine (IGM) Clinical Laboratory, Nationwide Children's Hospital
Classification: Tier II - Potential for Medulloblastoma WNT activated. Assertion type: diagnostic. Clinical significance: supports diagnosis. Last evaluated: 2023-12-11. Review status: criteria provided, single submitter. Criteria: AMP/ASCO/CAP Guidelines, 2017. Collection method: clinical testing. Allele origin: somatic. Affected: yes.
Comment: Variant has Tier II (potential) clinical significance as a diagnostic inclusion criterion in medulloblastoma WNT activated, based on the following evidence: 1) Documented in one or more cancer databases (e.g., St. Jude Pecan, COSMIC, CIViC, OncoKB). 2) Appears in one or more well-established professional guidelines (e.g., World Health Organization [WHO]; National Comprehensive Cancer Network [NCCN]) as providing diagnostic, prognostic, or therapeutic information. 3) Diagnostic significance based on multiple small studies (Evidence Level C; PMIDs: 21163964, 28726821, 22820256, 22832583, 22722829).

Literature cited by the submitters: PubMed 21163964; PubMed 28726821; PubMed 22820256; PubMed 22832583; PubMed 22722829.

NM_003072.5(SMARCA4):c.3555A>T (p.Gln1185His)

Gene: SMARCA4 (SWI/SNF related BAF chromatin remodeling complex subunit ATPase 4; plus strand). Cytogenetic location: 19p13.2.
Variant type: single nucleotide variant.
Coding change: c.3555A>T on transcript NM_003072.5 (MANE Select); coding-DNA position 3555, A replaced by T.
Protein change: p.Gln1185His; replaces glutamine 1185 with histidine.
Molecular consequence: missense variant. On other transcripts: non-coding transcript variant (1).
Genome position (GRCh38, 1-based): chr19:11,033,298, A>T. VCF-style: chr19-11033298-A-T. GRCh37 (hg19) VCF-style: chr19-11143974-A-T.
Other names: c.3555A>T, p.Gln1185His (NM_001128844.3, NM_001128845.2, NM_001128846.2 and 6 more transcripts); short protein forms Q1185H.
Identifiers: ClinVar variation 4530273 (VCV004530273.1).